The following is an entry in ClinVar:

NM_006231.4(POLE):c.6417C>T (p.Ser2139=)

Gene: POLE (DNA polymerase epsilon, catalytic subunit; minus strand). Cytogenetic location: 12q24.33.
Variant type: single nucleotide variant.
Coding change: c.6417C>T on transcript NM_006231.4 (MANE Select); coding-DNA position 6417, C replaced by T.
Protein change: p.Ser2139=; no amino-acid change (serine 2139 retained).
Molecular consequence: synonymous variant.
Genome position (GRCh38, 1-based): chr12:132,626,231, G>A on the plus strand (C>T on the coding strand, the complement: POLE is on the minus strand). VCF-style: chr12-132626231-G-A. GRCh37 (hg19) VCF-style: chr12-133202817-G-A.
Identifiers: ClinVar variation 413601 (VCV000413601.81), dbSNP rs766935890, ClinGen allele CA16613703.

ClinVar aggregate classification (germline): Likely benign. Review status: criteria provided, multiple submitters, no conflicts (2 of 4 stars). 6 submissions from 6 submitters: Likely benign (6). Last evaluated 2026-01-18.

Conditions:
Hereditary cancer-predisposing syndrome. Also called: Tumor predisposition; Hereditary neoplastic syndrome; Hereditary Cancer Syndrome; Neoplastic Syndromes, Hereditary. Identifiers: Orphanet 140162, MedGen C0027672, MeSH D009386, MONDO:0015356.

Allele frequency attached by ClinVar (database versions not stated): gnomAD exomes 0.00001; TOPMed 0.00001; gnomAD 0.00002.
gnomAD v4.1: 25 of 1,613,714 alleles (0.0015%); highest among the groups gnomAD compares: Middle Eastern, 0.016%; no homozygotes.

Submissions (6):

Labcorp Genetics (formerly Invitae), Labcorp
Classification: Likely benign. Last evaluated: 2026-01-18. Review status: criteria provided, single submitter. Criteria: Invitae Variant Classification Sherloc (09022015). Collection method: clinical testing. Allele origin: germline.

Center for Genomic Medicine, Rigshospitalet, Copenhagen University Hospital
Classification: Likely benign. Last evaluated: 2025-03-04. Review status: criteria provided, single submitter. Criteria: ACMG Guidelines, 2015. Collection method: clinical testing. Allele origin: germline.

CeGaT Center for Human Genetics Tuebingen
Classification: Likely benign. Last evaluated: 2023-05-01. Review status: criteria provided, single submitter. Criteria: CeGaT Center For Human Genetics Tuebingen Variant Classification Criteria Version 2. Collection method: clinical testing. Allele origin: germline. Affected: yes. Observed: 1 variant allele.
Comment: POLE: BP4, BP7

GeneDx
Classification: Likely benign. Last evaluated: 2018-07-12. Review status: criteria provided, single submitter. Criteria: GeneDx Variant Classification Process June 2021. Collection method: clinical testing. Allele origin: germline. Affected: yes.

PreventionGenetics, part of Exact Sciences
Classification: Likely benign. Last evaluated: 2017-11-20. Review status: criteria provided, single submitter. Criteria: ACMG Guidelines, 2015. Collection method: clinical testing. Allele origin: germline.

Ambry Genetics
Classification: Likely benign for Hereditary cancer-predisposing syndrome. Last evaluated: 2015-08-24. Review status: criteria provided, single submitter. Criteria: Ambry Variant Classification Scheme 2023. Collection method: clinical testing. Allele origin: germline.